The following is an entry in ClinVar:

NM_005356.5(LCK):c.1326A>C (p.Pro442=)

Gene: LCK (LCK proto-oncogene, Src family tyrosine kinase; plus strand). Cytogenetic location: 1p35.2.
Variant type: single nucleotide variant.
Coding change: c.1326A>C on transcript NM_005356.5 (MANE Select); coding-DNA position 1326, A replaced by C.
Protein change: p.Pro442=; no amino-acid change (proline 442 retained).
Molecular consequence: synonymous variant.
Genome position (GRCh38, 1-based): chr1:32,280,209, A>C. VCF-style: chr1-32280209-A-C. GRCh37 (hg19) VCF-style: chr1-32745810-A-C.
Other names: c.1326A>C, p.Pro442= (NM_001042771.3); c.1173A>C, p.Pro391= (NM_001330468.2).
Identifiers: ClinVar variation 2061475 (VCV002061475.4), dbSNP rs2521701593, ClinGen allele CA417039287.

ClinVar aggregate classification (germline): Uncertain significance (1 of 4 stars; one submission).

Conditions:
Severe combined immunodeficiency due to LCK deficiency. Also called: Immunodeficiency 22. Identifiers: Orphanet 280142, MedGen C4014233, MONDO:0014334, OMIM 615758.

Submission:

Labcorp Genetics (formerly Invitae), Labcorp
Classification: Uncertain significance for Severe combined immunodeficiency due to LCK deficiency. Last evaluated: 2021-12-26. Review status: criteria provided, single submitter. Criteria: Invitae Variant Classification Sherloc (09022015). Collection method: clinical testing. Allele origin: germline.
Comment: This sequence change affects codon 442 of the LCK mRNA. It is a 'silent' change, meaning that it does not change the encoded amino acid sequence of the LCK protein. It affects a nucleotide within the consensus splice site. In summary, the available evidence is currently insufficient to determine the role of this variant in disease. Therefore, it has been classified as a Variant of Uncertain Significance. Algorithms developed to predict the effect of sequence changes on RNA splicing suggest that this variant may disrupt the consensus splice site. This variant has not been reported in the literature in individuals affected with LCK-related conditions. This variant is not present in population databases (gnomAD no frequency).